The following is an entry in ClinVar:

NM_001127222.2(CACNA1A):c.2280-68C>A

Gene: CACNA1A (calcium voltage-gated channel subunit alpha1 A; minus strand). Cytogenetic location: 19p13.13.
Variant type: single nucleotide variant.
Coding change: c.2280-68C>A on transcript NM_001127222.2 (MANE Select); 68 bases into the intron before coding-DNA position 2280, C replaced by A.
Molecular consequence: intron variant.
Genome position (GRCh38, 1-based): chr19:13,299,421, G>T on the plus strand (C>A on the coding strand, the complement: CACNA1A is on the minus strand). VCF-style: chr19-13299421-G-T. GRCh37 (hg19) VCF-style: chr19-13410235-G-T.
Other names: c.2283-68C>A (NM_001127221.2, NM_001174080.2); c.2292-68C>A (NM_000068.4, NM_023035.3).
Identifiers: ClinVar variation 680057 (VCV000680057.6), dbSNP rs12985136, ClinGen allele CA16568549.

ClinVar aggregate classification (germline): Benign. Review status: criteria provided, multiple submitters, no conflicts (2 of 4 stars). 7 submissions from 4 submitters: Benign (7). Last evaluated 2024-07-15.

Conditions:
Developmental and epileptic encephalopathy, 42 (DEE42A). Also called: Epileptic encephalopathy, early infantile, 42; DEVELOPMENTAL AND EPILEPTIC ENCEPHALOPATHY 42A; EPILEPTIC ENCEPHALOPATHY, EARLY INFANTILE, 42A. Identifiers: MedGen C4310716, MONDO:0014917, OMIM 617106.
Migraine, familial hemiplegic, 1. Also called: MIGRAINE, FAMILIAL HEMIPLEGIC 1, WITH PROGRESSIVE CEREBELLAR ATAXIA. Identifiers: Orphanet 569, MedGen C1832884, MONDO:0020756, OMIM 141500, MONDO:0007714.
Spinocerebellar ataxia type 6 (SCA6). Identifiers: Orphanet 98758, MedGen C0752124, MONDO:0008457, OMIM 183086.
Episodic ataxia type 2 (EA2). Also called: ACETAZOLAMIDE-RESPONSIVE HEREDITARY PAROXYSMAL CEREBELLAR ATAXIA; ATAXIA, FAMILIAL PAROXYSMAL; CEREBELLAR ATAXIA, PAROXYSMAL, ACETAZOLAMIDE-RESPONSIVE; CEREBELLOPATHY, HEREDITARY PAROXYSMAL; EPISODIC ATAXIA, NYSTAGMUS-ASSOCIATED; ATAXIA, EPISODIC, WITH NYSTAGMUS. Identifiers: Orphanet 97, MedGen C1720416, MONDO:0007163, OMIM 108500.

Allele frequency attached by ClinVar (database versions not stated): gnomAD 0.45430; TOPMed 0.47553; 1000 Genomes Project 30x 0.56246; 1000 Genomes Project 0.56450.
gnomAD v4.1: 652,574 of 1,382,118 alleles (47%); highest among the groups gnomAD compares: East Asian, 75%; 158,620 homozygotes.

Submissions (7):

Unidad de Genómica Garrahan, Hospital de Pediatría Garrahan
Classification: Benign. Last evaluated: 2024-07-15. Review status: criteria provided, single submitter. Criteria: ACMG Guidelines, 2015. Collection method: clinical testing. Allele origin: germline. Affected: no. Observed: 76 variant alleles.
Comment: This variant is classified as Benign based on local population frequency. This variant was detected in 82% of patients studied in a panel designed for Epileptic and Developmental Encephalopathy and Progressive Myoclonus Epilepsy. Number of patients: 76. Only high quality variants are reported.

Genome-Nilou Lab
Classification: Benign for Developmental and epileptic encephalopathy, 42. Last evaluated: 2021-07-14. Review status: criteria provided, single submitter. Criteria: ACMG Guidelines, 2015. Collection method: clinical testing. Allele origin: germline. Affected: no.

Genome-Nilou Lab
Classification: Benign for Episodic ataxia type 2. Last evaluated: 2021-07-14. Review status: criteria provided, single submitter. Criteria: ACMG Guidelines, 2015. Collection method: clinical testing. Allele origin: germline. Affected: no.

Genome-Nilou Lab
Classification: Benign for Migraine, familial hemiplegic, 1. Last evaluated: 2021-07-14. Review status: criteria provided, single submitter. Criteria: ACMG Guidelines, 2015. Collection method: clinical testing. Allele origin: germline. Affected: no.

Genome-Nilou Lab
Classification: Benign for Spinocerebellar ataxia type 6. Last evaluated: 2021-07-14. Review status: criteria provided, single submitter. Criteria: ACMG Guidelines, 2015. Collection method: clinical testing. Allele origin: germline. Affected: no.

GeneDx
Classification: Benign. Last evaluated: 2018-06-14. Review status: criteria provided, single submitter. Criteria: GeneDx Variant Classification (06012015). Collection method: clinical testing. Allele origin: germline. Affected: yes.
Comment: This variant is considered likely benign or benign based on one or more of the following criteria: it is a conservative change, it occurs at a poorly conserved position in the protein, it is predicted to be benign by multiple in silico algorithms, and/or has population frequency not consistent with disease.

Breakthrough Genomics
Classification: Benign. Review status: criteria provided, single submitter. Criteria: ACMG Guidelines, 2015. Collection method: not provided. Allele origin: germline. Inheritance: Autosomal dominant inheritance. Affected: yes.